The following is an entry in ClinVar:

ClinVar aggregate classification (germline): Uncertain significance (1 of 4 stars; one submission).

Submission:

GeneDx
Classification: Uncertain significance. Last evaluated: 2025-06-18. Review status: criteria provided, single submitter. Criteria: GeneDx Variant Classification Process June 2021. Collection method: clinical testing. Allele origin: germline. Affected: yes.
Comment: Not observed at significant frequency in large population cohorts (gnomAD); Has not been previously published as pathogenic or benign to our knowledge; In silico analysis suggests this variant may impact gene splicing. In the absence of RNA/functional studies, the actual effect of this sequence change is unknown.

NM_001267550.2(TTN):c.30432A>G (p.Glu10144=)

Gene: TTN (titin; minus strand). Cytogenetic location: 2q31.2.
Variant type: single nucleotide variant.
Coding change: c.30432A>G on transcript NM_001267550.2 (MANE Select); coding-DNA position 30432, A replaced by G.
Protein change: p.Glu10144=; no amino-acid change (glutamic acid 10144 retained).
Molecular consequence: synonymous variant. On other transcripts: intron variant (3).
Genome position (GRCh38, 1-based): chr2:178,702,455, T>C on the plus strand (A>G on the coding strand, the complement: TTN is on the minus strand). VCF-style: chr2-178702455-T-C. GRCh37 (hg19) VCF-style: chr2-179567182-T-C.
Other names: c.29481A>G, p.Glu9827= (NM_001256850.1); c.26700A>G, p.Glu8900= (NM_133378.4); c.13282+35627A>G (NM_003319.4); c.13858+35627A>G (NM_133437.4); c.13657+35627A>G (NM_133432.3).
Identifiers: ClinVar variation 4538898 (VCV004538898.1).